The following is an entry in ClinVar:

NM_006466.4(POLR3F):c.230A>G (p.Lys77Arg)

Gene: POLR3F (RNA polymerase III subunit F; plus strand). Cytogenetic location: 20p11.23.
Variant type: single nucleotide variant.
Coding change: c.230A>G on transcript NM_006466.4 (MANE Select); coding-DNA position 230, A replaced by G.
Protein change: p.Lys77Arg; replaces lysine 77 with arginine.
Molecular consequence: missense variant. On other transcripts: non-coding transcript variant (1).
Genome position (GRCh38, 1-based): chr20:18,472,891, A>G. VCF-style: chr20-18472891-A-G. GRCh37 (hg19) VCF-style: chr20-18453535-A-G.
Other names: c.107A>G, p.Lys36Arg (NM_001282526.2); c.230A>G, p.Lys77Arg (NM_001410821.1); short protein forms K36R, K77R.
Identifiers: ClinVar variation 2173884 (VCV002173884.4), dbSNP rs776454367, ClinGen allele CA9777475.

ClinVar aggregate classification (germline): Uncertain significance (1 of 4 stars; one submission).

Allele frequency attached by ClinVar (database versions not stated): ExAC 0.00012; gnomAD 0.00012; gnomAD exomes 0.00012; TOPMed 0.00016.
gnomAD v4.1: 187 of 1,484,708 alleles (0.013%); highest among the groups gnomAD compares: Middle Eastern, 0.25%; 1 homozygote.

Submission:

Labcorp Genetics (formerly Invitae), Labcorp
Classification: Uncertain significance. Last evaluated: 2025-12-24. Review status: criteria provided, single submitter. Criteria: Invitae Variant Classification Sherloc (09022015). Collection method: clinical testing. Allele origin: germline.
Comment: This sequence change replaces lysine, which is basic and polar, with arginine, which is basic and polar, at codon 36 of the POLR3F protein (p.Lys36Arg). This variant is present in population databases (rs776454367, gnomAD 0.2%), and has an allele count higher than expected for a pathogenic variant. This variant has not been reported in the literature in individuals affected with POLR3F-related conditions. ClinVar contains an entry for this variant (Variation ID: 2173884). Experimental studies and prediction algorithms are not available or were not evaluated, and the functional significance of this variant is currently unknown. In summary, the available evidence is currently insufficient to determine the role of this variant in disease. Therefore, it has been classified as a Variant of Uncertain Significance.